The following is an entry in ClinVar:

ClinVar aggregate classification (germline): Uncertain significance (1 of 4 stars; one submission).

Conditions:
Schimke immuno-osseous dysplasia (SIOD). Also called: Schimke Immunoosseous Dysplasia. Identifiers: Orphanet 1830, MedGen C0877024, MONDO:0009458, OMIM 242900.

Allele frequency attached by ClinVar (database versions not stated): gnomAD 0.00007; gnomAD exomes 0.00007; ESP Exome Variant Server 0.00008; TOPMed 0.00008; ExAC 0.00014.
gnomAD v4.1: 114 of 1,614,098 alleles (0.0071%); highest among the groups gnomAD compares: Non-Finnish European, 0.0096%; no homozygotes.

Submission:

Labcorp Genetics (formerly Invitae), Labcorp
Classification: Uncertain significance for Schimke immuno-osseous dysplasia. Last evaluated: 2022-07-06. Review status: criteria provided, single submitter. Criteria: Invitae Variant Classification Sherloc (09022015). Collection method: clinical testing. Allele origin: germline.
Comment: This sequence change replaces serine, which is neutral and polar, with phenylalanine, which is neutral and non-polar, at codon 434 of the SMARCAL1 protein (p.Ser434Phe). This variant is present in population databases (rs200635428, gnomAD 0.02%). This variant has not been reported in the literature in individuals affected with SMARCAL1-related conditions. Algorithms developed to predict the effect of missense changes on protein structure and function are either unavailable or do not agree on the potential impact of this missense change (SIFT: "Deleterious"; PolyPhen-2: "Possibly Damaging"; Align-GVGD: "Class C0"). In summary, the available evidence is currently insufficient to determine the role of this variant in disease. Therefore, it has been classified as a Variant of Uncertain Significance.

NM_014140.4(SMARCAL1):c.1301C>T (p.Ser434Phe)

Gene: SMARCAL1 (SNF2 related chromatin remodeling annealing helicase 1; plus strand). Cytogenetic location: 2q35.
Variant type: single nucleotide variant.
Coding change: c.1301C>T on transcript NM_014140.4 (MANE Select); coding-DNA position 1301, C replaced by T.
Protein change: p.Ser434Phe; replaces serine 434 with phenylalanine.
Molecular consequence: missense variant.
Genome position (GRCh38, 1-based): chr2:216,428,749, C>T. VCF-style: chr2-216428749-C-T. GRCh37 (hg19) VCF-style: chr2-217293472-C-T.
Other names: c.1301C>T, p.Ser434Phe (NM_001127207.2); short protein forms S434F.
Identifiers: ClinVar variation 2194066 (VCV002194066.1), dbSNP rs200635428, ClinGen allele CA2097829.
Genomic context (GRCh38, chr2:216,428,749, plus strand): 5'-TCAGTCTCACGCCAGATGTCCCAGAGGCAGACCTTTCTGAAGTGGACCCCAAGCTCGTGT[C>T]TAATCTGATGCCCTTTCAGAGAGCTGGAGTCAAGTAGGTTCTTGATCTTCCTCTCTCTTC-3'
Protein context (NP_054859.2, residues 424-444): DLSEVDPKLV[Ser434Phe]NLMPFQRAGV